The following is an entry in ClinVar:

ClinVar aggregate classification (germline): Conflicting classifications of pathogenicity. Review status: criteria provided, conflicting classifications (1 of 4 stars). 5 submissions from 5 submitters: Likely pathogenic (2); Uncertain significance (3). Last evaluated 2025-12-21.

Conditions:
21-Hydroxylase-Deficient Congenital Adrenal Hyperplasia. Also called: ADRENAL HYPERPLASIA III; ADRENAL HYPERPLASIA, CONGENITAL, DUE TO 21-HYDROXYLASE DEFICIENCY. Identifiers: MedGen C2936858, OMIM 201910.
CYP21A2-related disorder. Also called: CYP21A2-related condition.

Allele frequency attached by ClinVar (database versions not stated): gnomAD 0.00003; ExAC 0.00008; 1000 Genomes Project 30x 0.00016; 1000 Genomes Project 0.00020.
gnomAD v4.1: 41 of 1,599,162 alleles (0.0026%); highest among the groups gnomAD compares: Middle Eastern, 0.017%; no homozygotes.

Submissions (5):

PreventionGenetics, part of Exact Sciences
Classification: Likely pathogenic for CYP21A2-related condition. Last evaluated: 2025-12-21. Review status: criteria provided, single submitter. Criteria: ACMG Guidelines, 2015. Collection method: clinical testing. Allele origin: germline.
Comment: The CYP21A2 c.143A>G variant is predicted to result in the amino acid substitution p.Tyr48Cys. This variant has been reported in the homozygous state in an individual with non-classic (NC) congenital adrenal hyperplasia (CAH) (Ravichandran et al. 2021. PubMed ID: 34718183) and in the compound heterozygous state with the common pathogenic variant c.293-13C>G in an individual with NC-CAH (Clausen et al. 2020. PubMed ID: 33017824). A large study of structure-phenotype correlations of CYP21A2 suggests that this substitution falls into pathogenic variants associated with NC-CAH due to a disrupted residue interaction but compensated by other residues (Haider et al. 2013. PubMed ID: 23359706). This variant was also reported in a systematic review of NC-CAH (Carmina et al. 2017. PubMed ID: 28582566) and a clinical genetic testing guideline (Baumgartner-Parzer et al. 2020. PubMed ID: 32616876). This variant is reported in 0.060% of alleles in individuals of East Asian descent in gnomAD. This variant falls within a highly paralogous region. Allele frequency data should be interpreted with caution. This variant is interpreted as likely pathogenic and is likely associated with NC-CAH.

Athena Diagnostics
Classification: Uncertain significance. Last evaluated: 2025-09-24. Review status: criteria provided, single submitter. Criteria: Athena Diagnostics Criteria. Collection method: clinical testing. Allele origin: unknown.
Comment: Available data are insufficient to determine the clinical significance of the variant at this time. This variant is located in a genomic region of low or unreliable sequencing quality, and therefore estimations of its population frequency are uninformative in assessment of variant pathogenicity. (Genome Aggregation Database (gnomAD), Cambridge, MA (URL)). This variant has been identified in at least one individual with nonclassic congenital adrenal hyperplasia. In some published literature, this variant is referred to as p.Try47Cys. Polyphen and MutationTaster predict this amino acid change may be damaging to the protein.

Fulgent Genetics
Classification: Uncertain significance for 21-Hydroxylase-Deficient Congenital Adrenal Hyperplasia. Last evaluated: 2021-09-24. Review status: criteria provided, single submitter. Criteria: ACMG Guidelines, 2015. Collection method: clinical testing. Allele origin: unknown.

Juno Genomics, Hangzhou Juno Genomics, Inc
Classification: Likely pathogenic for 21-Hydroxylase-Deficient Congenital Adrenal Hyperplasia. Review status: criteria provided, single submitter. Criteria: ACMG Guidelines, 2015. Collection method: clinical testing. Allele origin: germline. Affected: yes.
Comment: Absent from controls (or at extremely low frequency if recessive) in Genome Aggregation Database, Exome Sequencing Project, 1000 Genomes Project, or Exome Aggregation Consortium.;For recessive disorders, detected in trans with a pathogenic variant.;Patient's phenotype or family history is highly specific for a disease with a single genetic etiology.

Molecular Endocrinology Laboratory, Christian Medical College
Classification: Uncertain significance for 21-Hydroxylase-Deficient Congenital Adrenal Hyperplasia. Review status: criteria provided, single submitter. Criteria: ACMG Guidelines, 2015. Collection method: clinical testing. Allele origin: germline. Affected: yes.

Literature cited by the submitters: PubMed 17598208 (cited by Athena Diagnostics); PubMed 34718183 (cited by Athena Diagnostics); PubMed 33017824 (cited by Athena Diagnostics); PubMed 27966633 (cited by Athena Diagnostics); PubMed 23359706 (cited by Athena Diagnostics).

NM_000500.9(CYP21A2):c.143A>G (p.Tyr48Cys)

Genes: CYP21A2 (cytochrome P450 family 21 subfamily A member 2; plus strand), LOC106780800 (CYP21A2 recombination region; plus strand). Cytogenetic location: 6p21.33.
Variant type: single nucleotide variant.
Coding change: c.143A>G on transcript NM_000500.9 (MANE Select); coding-DNA position 143, A replaced by G.
Protein change: p.Tyr48Cys; replaces tyrosine 48 with cysteine.
Molecular consequence: missense variant. On other transcripts: 5 prime UTR variant (2).
Genome position (GRCh38, 1-based): chr6:32,038,565, A>G. VCF-style: chr6-32038565-A-G. GRCh37 (hg19) VCF-style: chr6-32006342-A-G.
Other names: c.143A>G, p.Tyr48Cys (NM_001128590.4); c.-282A>G (NM_001368143.2); c.-192A>G (NM_001368144.2); short protein forms Y48C.
Identifiers: ClinVar variation 1264336 (VCV001264336.8), dbSNP rs566306310, ClinGen allele CA3732283.